The following is an entry in ClinVar:

ClinVar aggregate classification (germline): Uncertain significance. Review status: criteria provided, multiple submitters, no conflicts (2 of 4 stars). 2 submissions from 2 submitters: Uncertain significance (2). Last evaluated 2025-08-25.

Conditions:
Inborn genetic diseases. Identifiers: MedGen C0950123, MeSH D030342.
Leber congenital amaurosis 8 (LCA8). Identifiers: Orphanet 65, MedGen C3151202, MONDO:0013453, OMIM 613835.
Retinitis pigmentosa 12 (RP12). Also called: RP WITH OR WITHOUT PRESERVED PARAARTERIOLE RETINAL PIGMENT EPITHELIUM; RETINITIS PIGMENTOSA WITH OR WITHOUT PARAARTERIOLAR PRESERVATION OF RETINAL PIGMENT EPITHELIUM; RP WITH OR WITHOUT PPRPE. Identifiers: Orphanet 791, MedGen C1838647, MONDO:0010818, OMIM 600105.

Allele frequency attached by ClinVar (database versions not stated): gnomAD exomes below 0.00001; TOPMed below 0.00001; ExAC 0.00001; gnomAD 0.00001.
gnomAD v4.1: 6 of 1,613,774 alleles (0.00037%); highest among the groups gnomAD compares: Non-Finnish European, 0.00051%; no homozygotes.

Submissions (2):

Ambry Genetics
Classification: Uncertain significance for Inborn genetic diseases. Last evaluated: 2025-08-25. Review status: criteria provided, single submitter. Criteria: Ambry Variant Classification Scheme 2023. Collection method: clinical testing. Allele origin: germline.

Labcorp Genetics (formerly Invitae), Labcorp
Classification: Uncertain significance for Leber congenital amaurosis 8; Retinitis pigmentosa 12. Last evaluated: 2022-06-27. Review status: criteria provided, single submitter. Criteria: Invitae Variant Classification Sherloc (09022015). Collection method: clinical testing. Allele origin: germline.
Comment: In summary, the available evidence is currently insufficient to determine the role of this variant in disease. Therefore, it has been classified as a Variant of Uncertain Significance. Advanced modeling of protein sequence and biophysical properties (such as structural, functional, and spatial information, amino acid conservation, physicochemical variation, residue mobility, and thermodynamic stability) performed at Invitae indicates that this missense variant is expected to disrupt CRB1 protein function. This variant has not been reported in the literature in individuals affected with CRB1-related conditions. This variant is present in population databases (rs781635398, gnomAD 0.0009%). This sequence change replaces proline, which is neutral and non-polar, with threonine, which is neutral and polar, at codon 895 of the CRB1 protein (p.Pro895Thr).

NM_201253.3(CRB1):c.2683C>A (p.Pro895Thr)

Gene: CRB1 (crumbs cell polarity complex component 1; plus strand). Cytogenetic location: 1q31.3.
Variant type: single nucleotide variant.
Coding change: c.2683C>A on transcript NM_201253.3 (MANE Select); coding-DNA position 2683, C replaced by A.
Protein change: p.Pro895Thr; replaces proline 895 with threonine.
Molecular consequence: missense variant. On other transcripts: non-coding transcript variant (2), intron variant (1).
Genome position (GRCh38, 1-based): chr1:197,429,455, C>A. VCF-style: chr1-197429455-C-A. GRCh37 (hg19) VCF-style: chr1-197398585-C-A.
Other names: c.2683C>A (NM_201253.2); c.2347C>A, p.Pro783Thr (NM_001193640.2); c.2611C>A, p.Pro871Thr (NM_001257965.2); c.2129-6145C>A (NM_001257966.2); short protein forms P895T, P783T, P871T.
Identifiers: ClinVar variation 1511310 (VCV001511310.7), dbSNP rs781635398, ClinGen allele CA1312191.